The following is an entry in ClinVar:

ClinVar aggregate classification (germline): Conflicting classifications of pathogenicity. Review status: criteria provided, conflicting classifications (1 of 4 stars). 6 submissions from 6 submitters: Uncertain significance (4); Likely benign (1). 1 of the submissions does not count toward it. Last evaluated 2026-01-27.

Conditions:
ACTN2-related disorder. Also called: ACTN2 related condition; ACTN2-related disorders.
Primary familial hypertrophic cardiomyopathy (HCM). Identifiers: Orphanet 99739, MedGen C0949658, MeSH D024741, MONDO:0024573. Inheritance: Various modes of inheritance.
Dilated cardiomyopathy 1AA (CMD1AA). Also called: Cardiomyopathy, dilated, 1AA, with or without LVNC; CARDIOMYOPATHY, DILATED, 1AA, WITH OR WITHOUT LEFT VENTRICULAR NONCOMPACTION; CARDIOMYOPATHY, FAMILIAL HYPERTROPHIC, 23, WITH OR WITHOUT LEFT VENTRICULAR NONCOMPACTION. Identifiers: Orphanet 154, MedGen C2677338, MONDO:0012808, OMIM 612158.
Cardiovascular phenotype. Identifiers: MedGen CN230736.
Hypertrophic cardiomyopathy. Also called: HYPERTROPHIC MYOCARDIOPATHY. Identifiers: Orphanet 217569, MedGen C0007194, MeSH D002312, MONDO:0005045, HP:0001639.

Allele frequency attached by ClinVar (database versions not stated): ExAC 0.00001; gnomAD 0.00001; gnomAD exomes 0.00001 and 0.00003; TOPMed 0.00003; 1000 Genomes Project 0.00020; 1000 Genomes Project 30x 0.00031.
gnomAD v4.1: 46 of 1,614,228 alleles (0.0028%); highest among the groups gnomAD compares: African/African-American, 0.0053%; no homozygotes.

Submissions (6):

PreventionGenetics, part of Exact Sciences
Classification: Uncertain significance for ACTN2-related condition. Last evaluated: 2026-01-27. Review status: criteria provided, single submitter. Criteria: ACMG Guidelines, 2015. Collection method: clinical testing. Allele origin: germline.
Comment: The ACTN2 c.1312C>T variant is predicted to result in the amino acid substitution p.Arg438Trp. This variant has been reported in a cohort study of individuals who underwent exome sequencing not selected for cardiovascular disease; however, no case‑level clinical information was provided (Supplemental table 3, Ng et al. 2013. PubMed ID: 23861362). This variant is reported in 0.0062% of alleles in individuals of African descent in gnomAD. At this time, the clinical significance of this variant is uncertain due to the absence of conclusive functional and genetic evidence.

Labcorp Genetics (formerly Invitae), Labcorp
Classification: Likely benign for Primary familial hypertrophic cardiomyopathy; Dilated cardiomyopathy 1AA. Last evaluated: 2025-10-09. Review status: criteria provided, single submitter. Criteria: Invitae Variant Classification Sherloc (09022015). Collection method: clinical testing. Allele origin: germline.

Molecular Diagnostic Laboratory for Inherited Cardiovascular Disease, Montreal Heart Institute
Classification: Uncertain significance for Cardiovascular phenotype. Last evaluated: 2025-04-09. Review status: criteria provided, single submitter. Criteria: ACMG Guidelines, 2015. Collection method: clinical testing. Allele origin: germline. Affected: yes.

Ambry Genetics
Classification: Uncertain significance for Cardiovascular phenotype. Last evaluated: 2023-06-09. Review status: criteria provided, single submitter. Criteria: Ambry Variant Classification Scheme 2023. Collection method: clinical testing. Allele origin: germline.
Comment: The p.R438W variant (also known as c.1312C>T), located in coding exon 12 of the ACTN2 gene, results from a C to T substitution at nucleotide position 1312. The arginine at codon 438 is replaced by tryptophan, an amino acid with dissimilar properties. This alteration has been reported as a secondary cardiac variant in an exome cohort (Ng D et al. Circ Cardiovasc Genet, 2013 Aug;6:337-46). This amino acid position is well conserved in available vertebrate species. In addition, the in silico prediction for this alteration is inconclusive. Since supporting evidence is limited at this time, the clinical significance of this alteration remains unclear.

Biesecker Lab/Clinical Genomics Section, National Institutes of Health
Classification: Uncertain significance. Last evaluated: 2013-06-24. Review status: criteria provided, single submitter. Criteria: Ng et al. (Circ Cardiovasc Genet. 2013). Collection method: research. Allele origin: unknown. Observed: 1 variant allele. Study: ClinSeq.
Comment: The study set was not selected for affection status in relation to any cancer. Pathogenicity categories were based on literature curation. See Pubmed ID:23861362 for details.

Medical sequencing

Zaffran Lab, Genetics of Cardiac Diseases Laboratory, Marseille Medical Genetics
Classification: Uncertain significance for hypertrophic cardiomyopathy. Review status: no assertion criteria provided. Collection method: research. Allele origin: unknown. Affected: yes. Not counted in ClinVar's aggregate classification.

Literature cited by the submitters: PubMed 23861362 (cited by Ambry Genetics).

NM_001103.4(ACTN2):c.1312C>T (p.Arg438Trp)

Gene: ACTN2 (actinin alpha 2; plus strand). Cytogenetic location: 1q43.
Variant type: single nucleotide variant.
Coding change: c.1312C>T on transcript NM_001103.4 (MANE Select); coding-DNA position 1312, C replaced by T.
Protein change: p.Arg438Trp; replaces arginine 438 with tryptophan.
Molecular consequence: missense variant.
Genome position (GRCh38, 1-based): chr1:236,744,682, C>T. VCF-style: chr1-236744682-C-T. GRCh37 (hg19) VCF-style: chr1-236907982-C-T.
Other names: c.1312C>T, p.Arg438Trp (NM_001278343.2); c.688C>T, p.Arg230Trp (NM_001278344.2); short protein forms R438W, R230W.
Identifiers: ClinVar variation 191593 (VCV000191593.17), dbSNP rs563171274, ClinGen allele CA237011.
Genomic context (GRCh38, chr1:236,744,682, plus strand): 5'-GCAGGCAAAGAGCAGATCTTGCTGCAGAAGGATTACGAGTCGGCGTCGCTGACAGAGGTG[C>T]GGGCTCTGCTGCGGAAGCACGAGGCGTTCGAGAGCGACCTGGCAGCGCACCAGGACCGCG-3'
Protein context (NP_001094.1, residues 428-448): DYESASLTEV[Arg438Trp]ALLRKHEAFE